The following is an entry in ClinVar:

ClinVar aggregate classification (germline): Pathogenic/Likely pathogenic. Review status: criteria provided, multiple submitters, no conflicts (2 of 4 stars). 7 submissions from 7 submitters: Pathogenic (3); Likely pathogenic (3). 1 of the submissions does not count toward it. Last evaluated 2025-11-19.

Conditions:
Deficiency of alpha-mannosidase (MANSA). Also called: Alpha-Mannosidosis; LYSOSOMAL ALPHA-D-MANNOSIDASE DEFICIENCY; Mannosidosis, alpha-, types I and II. Identifiers: Orphanet 61, MedGen C0024748, MONDO:0009561, OMIM 248500.

Allele frequency attached by ClinVar (database versions not stated): gnomAD 0.00001; TOPMed 0.00001.
gnomAD v4.1: 1 of 1,611,624 alleles (0.000062%); highest among the groups gnomAD compares: Non-Finnish European, 0.000085%; no homozygotes.

Submissions (7):

Women's Health and Genetics/Laboratory Corporation of America, LabCorp
Classification: Likely pathogenic for Deficiency of alpha-mannosidase. Last evaluated: 2025-11-19. Review status: criteria provided, single submitter. Criteria: LabCorp Variant Classification Summary - May 2015. Collection method: clinical testing. Allele origin: germline.
Comment: Variant summary: MAN2B1 c.2436+2T>C is located in a canonical splice-site and is predicted to affect mRNA splicing resulting in a significantly altered protein due to either exon skipping, shortening, or inclusion of intronic material. Variants that disrupt the consensus splice site are a relatively common cause of aberrant splicing and loss of MAN2B1 function. Several computational tools predict a significant impact on normal splicing: Three predict the variant abolishes a 5' splicing donor site. One predict the variant weakens a 5' donor site. Two predict the variant creates a 5' donor site. However, these predictions have yet to be confirmed by functional studies. The variant was absent in 250872 control chromosomes. To our knowledge, no occurrence of c.2436+2T>C in individuals affected with MAN2B1-related conditions and no experimental evidence demonstrating its impact on protein function have been reported. ClinVar contains an entry for this variant (Variation ID: 93214). Based on the evidence outlined above, the variant was classified as likely pathogenic.

Natera, Inc.
Classification: Likely pathogenic for Alpha-mannosidosis. Last evaluated: 2025-03-13. Review status: criteria provided, single submitter. Criteria: Natera Variant Classification Schema (03/2026). Collection method: clinical testing. Allele origin: germline.
Comment: The c.2436+2T>C variant in MAN2B1 is a canonical splice donor site variant predicted to affect pre-mRNA splicing, which may result in an abnormal transcript and altered protein product. This variant is expected to result in nonsense mediated decay, truncation, or a dysfunctional protein product. This variant is rare in the general population with a frequency below the threshold expected for the associated phenotype(s). Given the available evidence, this variant is classified as Likely Pathogenic.

Baylor Genetics
Classification: Pathogenic for Deficiency of alpha-mannosidase. Last evaluated: 2023-11-23. Review status: criteria provided, single submitter. Criteria: ACMG Guidelines, 2015. Collection method: clinical testing. Allele origin: unknown.

Labcorp Genetics (formerly Invitae), Labcorp
Classification: Likely pathogenic for Deficiency of alpha-mannosidase. Last evaluated: 2023-10-08. Review status: criteria provided, single submitter. Criteria: Invitae Variant Classification Sherloc (09022015). Collection method: clinical testing. Allele origin: germline.
Comment: This sequence change affects a donor splice site in intron 20 of the MAN2B1 gene. It is expected to disrupt RNA splicing. Variants that disrupt the donor or acceptor splice site typically lead to a loss of protein function (PMID: 16199547), and loss-of-function variants in MAN2B1 are known to be pathogenic (PMID: 9915946, 22161967). This variant is not present in population databases (gnomAD no frequency). Disruption of this splice site has been observed in individual(s) with alpha-mannosidosis (PMID: 20165920). ClinVar contains an entry for this variant (Variation ID: 93214). Studies have shown that disruption of this splice site is associated with altered splicing resulting in unknown protein product impact (PMID: 22161967). In summary, the currently available evidence indicates that the variant is pathogenic, but additional data are needed to prove that conclusively. Therefore, this variant has been classified as Likely Pathogenic.

Genome-Nilou Lab
Classification: Pathogenic for Deficiency of alpha-mannosidase. Last evaluated: 2021-09-05. Review status: criteria provided, single submitter. Criteria: ACMG Guidelines, 2015. Collection method: clinical testing. Allele origin: germline. Affected: no.

Eurofins Ntd Llc (ga)
Classification: Pathogenic. Last evaluated: 2012-11-01. Review status: criteria provided, single submitter. Criteria: EGL Classification Definitions 2015. Collection method: clinical testing. Allele origin: germline. Observed: 1 variant allele, 1 heterozygote.

Counsyl
Classification: Likely pathogenic for Deficiency of alpha-mannosidase. Last evaluated: 2016-03-09. Review status: no assertion criteria provided. Collection method: clinical testing. Allele origin: unknown. Not counted in ClinVar's aggregate classification.

Literature cited by the submitters: PubMed 16199547 (cited by Labcorp Genetics (formerly Invitae), Labcorp); PubMed 9915946 (cited by Labcorp Genetics (formerly Invitae), Labcorp); PubMed 22161967 (cited by Labcorp Genetics (formerly Invitae), Labcorp); PubMed 20165920 (cited by Labcorp Genetics (formerly Invitae), Labcorp).

NM_000528.4(MAN2B1):c.2436+2T>C

Gene: MAN2B1 (mannosidase alpha class 2B member 1; minus strand). Cytogenetic location: 19p13.13.
Variant type: single nucleotide variant.
Coding change: c.2436+2T>C on transcript NM_000528.4 (MANE Select); the canonical splice donor site of the intron after coding-DNA position 2436, T replaced by C.
Molecular consequence: splice donor variant.
Genome position (GRCh38, 1-based): chr19:12,649,134, A>G on the plus strand (T>C on the coding strand, the complement: MAN2B1 is on the minus strand). VCF-style: chr19-12649134-A-G. GRCh37 (hg19) VCF-style: chr19-12759948-A-G.
Other names: c.2433+2T>C (NM_001173498.2).
Identifiers: ClinVar variation 93214 (VCV000093214.17), dbSNP rs398123457, ClinGen allele CA221084.